The following is an entry in ClinVar:

ClinVar aggregate classification (germline): Uncertain significance. Review status: criteria provided, multiple submitters, no conflicts (2 of 4 stars). 3 submissions from 3 submitters: Uncertain significance (2). 1 of the submissions does not count toward it. Last evaluated 2026-01-27.

Conditions:
Waardenburg syndrome type 2A (WS2A). Also called: WAARDENBURG SYNDROME WITHOUT DYSTOPIA CANTHORUM. Identifiers: Orphanet 3440, MedGen C1860339, MONDO:0008671, OMIM 193510.
Tietz syndrome (TADS). Also called: ALBINISM-DEAFNESS OF TIETZ; HYPOPIGMENTATION/DEAFNESS OF TIETZ; TIETZ ALBINISM-DEAFNESS SYNDROME. Identifiers: Orphanet 42665, MedGen C0391816, MONDO:0007077, OMIM 103500.
Melanoma, cutaneous malignant, susceptibility to, 8. Also called: MELANOMA AND RENAL CELL CARCINOMA, SUSCEPTIBILITY TO; Cutaneous malignant melanoma 8. Identifiers: Orphanet 293822, MedGen C3152204, MONDO:0013759, OMIM 614456.
MITF-related disorder. Also called: MITF-related condition.

gnomAD v4.1: 29 of 1,613,554 alleles (0.0018%); highest among the groups gnomAD compares: Admixed American, 0.017%; no homozygotes.

Submissions (3):

Labcorp Genetics (formerly Invitae), Labcorp
Classification: Uncertain significance for Melanoma, cutaneous malignant, susceptibility to, 8; Waardenburg syndrome type 2A; Tietz syndrome. Last evaluated: 2026-01-27. Review status: criteria provided, single submitter. Criteria: Invitae Variant Classification Sherloc (09022015). Collection method: clinical testing. Allele origin: germline.
Comment: This sequence change replaces glycine, which is neutral and non-polar, with arginine, which is basic and polar, at codon 399 of the MITF protein (p.Gly399Arg). This variant is present in population databases (rs531830542, gnomAD 0.04%). This missense change has been observed in individual(s) with MITF-related conditions (PMID: 26850479, 38833603). ClinVar contains an entry for this variant (Variation ID: 1687701). Invitae Evidence Modeling of protein sequence and biophysical properties (such as structural, functional, and spatial information, amino acid conservation, physicochemical variation, residue mobility, and thermodynamic stability) has been performed for this missense variant. However, the output from this modeling did not meet the statistical confidence thresholds required to predict the impact of this variant on MITF protein function. In summary, the available evidence is currently insufficient to determine the role of this variant in disease. Therefore, it has been classified as a Variant of Uncertain Significance.

GeneDx
Classification: Uncertain significance. Last evaluated: 2022-04-27. Review status: criteria provided, single submitter. Criteria: GeneDx Variant Classification Process June 2021. Collection method: clinical testing. Allele origin: germline. Affected: yes.
Comment: In silico analysis supports that this missense variant does not alter protein structure/function; Has not been previously published as pathogenic or benign to our knowledge

PreventionGenetics, part of Exact Sciences
Classification: Uncertain significance for MITF-related condition. Last evaluated: 2024-02-20. Review status: no assertion criteria provided. Collection method: clinical testing. Allele origin: germline. Not counted in ClinVar's aggregate classification.
Comment: The MITF c.1195G>C variant is predicted to result in the amino acid substitution p.Gly399Arg. This variant has been reported in the heterozygous state in a patient with hearing loss and a hypopigmented streak on the skin (Tekin et al. 2016. PubMed ID: 26850479). This variant is reported in 0.040% of alleles in individuals of Ashkenazi Jewish descent in gnomAD. At this time, the clinical significance of this variant is uncertain due to the absence of conclusive functional and genetic evidence.

Literature cited by the submitters: PubMed 26850479 (cited by Labcorp Genetics (formerly Invitae), Labcorp); PubMed 38833603 (cited by Labcorp Genetics (formerly Invitae), Labcorp).

NM_001354604.2(MITF):c.1516G>C (p.Gly506Arg)

Gene: MITF (melanocyte inducing transcription factor; plus strand). Cytogenetic location: 3p13.
Variant type: single nucleotide variant.
Coding change: c.1516G>C on transcript NM_001354604.2 (MANE Select); coding-DNA position 1516, G replaced by C.
Protein change: p.Gly506Arg; replaces glycine 506 with arginine.
Molecular consequence: missense variant.
Genome position (GRCh38, 1-based): chr3:69,965,183, G>C. VCF-style: chr3-69965183-G-C. GRCh37 (hg19) VCF-style: chr3-70014334-G-C.
Other names: c.1195G>C, p.Gly399Arg (NM_000248.4); c.1342G>C, p.Gly448Arg (NM_001184967.2, NM_001354608.2); c.1513G>C, p.Gly505Arg (NM_001354605.2); c.1495G>C, p.Gly499Arg (NM_001354606.2, NM_006722.3); c.1447G>C, p.Gly483Arg (NM_001354607.2); c.1177G>C, p.Gly393Arg (NM_198158.3); c.1498G>C, p.Gly500Arg (NM_198159.3); c.1450G>C, p.Gly484Arg (NM_198177.3); and 1 more; short protein forms G337R, G393R, G399R, G448R, G483R, G484R, G499R, G500R.
Identifiers: ClinVar variation 1687701 (VCV001687701.9), dbSNP rs531830542, ClinGen allele CA2490691.